The following is an entry in ClinVar:

NM_005199.5(CHRNG):c.471C>T (p.Phe157=)

Gene: CHRNG (cholinergic receptor nicotinic gamma subunit; plus strand). Cytogenetic location: 2q37.1.
Variant type: single nucleotide variant.
Coding change: c.471C>T on transcript NM_005199.5 (MANE Select); coding-DNA position 471, C replaced by T.
Protein change: p.Phe157=; no amino-acid change (phenylalanine 157 retained).
Molecular consequence: synonymous variant.
Genome position (GRCh38, 1-based): chr2:232,541,494, C>T. VCF-style: chr2-232541494-C-T. GRCh37 (hg19) VCF-style: chr2-233406204-C-T.
Identifiers: ClinVar variation 259668 (VCV000259668.39), dbSNP rs143272752, ClinGen allele CA2168674.
Genomic context (GRCh38, chr2:232,541,494, plus strand): 5'-TATCTACTGGCTGCCGCCTGCCATCTTCCGTTCCGCCTGCTCTATCTCAGTCACCTACTT[C>T]CCCTTCGACTGGCAGAACTGCTCCCTTATCTTCCAGTGAGGCCATTTATTGGGGAGGATT-3'
Protein context (NP_005190.4, residues 147-167): RSACSISVTY[Phe157=]PFDWQNCSLI

ClinVar aggregate classification (germline): Conflicting classifications of pathogenicity. Review status: criteria provided, conflicting classifications (1 of 4 stars). 5 submissions from 5 submitters: Uncertain significance (1); Benign (1); Likely benign (3). Last evaluated 2026-01-28.

Conditions:
Lethal multiple pterygium syndrome (LMPS). Identifiers: Orphanet 33108, MedGen C1854678, MONDO:0009668, OMIM 253290.

Allele frequency attached by ClinVar (database versions not stated): TOPMed 0.00069; ESP Exome Variant Server 0.00077; 1000 Genomes Project 30x 0.00078; 1000 Genomes Project 0.00080; gnomAD 0.00118 and 0.00120; gnomAD exomes 0.00138 and 0.00157; ExAC 0.00144.
gnomAD v4.1: 2,194 of 1,614,156 alleles (0.14%); highest among the groups gnomAD compares: South Asian, 0.29%; 6 homozygotes.

Submissions (5):

Labcorp Genetics (formerly Invitae), Labcorp
Classification: Benign. Last evaluated: 2026-01-28. Review status: criteria provided, single submitter. Criteria: Invitae Variant Classification Sherloc (09022015). Collection method: clinical testing. Allele origin: germline.

Blueprint Genetics
Classification: Likely benign. Last evaluated: 2024-11-22. Review status: criteria provided, single submitter. Criteria: ACMG Guidelines, 2015. Collection method: clinical testing. Allele origin: germline.

CeGaT Center for Human Genetics Tuebingen
Classification: Likely benign. Last evaluated: 2024-02-01. Review status: criteria provided, single submitter. Criteria: CeGaT Center For Human Genetics Tuebingen Variant Classification Criteria Version 2. Collection method: clinical testing. Allele origin: germline. Affected: yes. Observed: 2 variant alleles.
Comment: CHRNG: BP4, BP7

Illumina Laboratory Services, Illumina
Classification: Uncertain significance for Lethal multiple pterygium syndrome. Last evaluated: 2018-01-13. Review status: criteria provided, single submitter. Criteria: ICSL Variant Classification Criteria 13 December 2019. Collection method: clinical testing. Allele origin: germline.

PreventionGenetics, part of Exact Sciences
Classification: Likely benign. Review status: criteria provided, single submitter. Criteria: ACMG Guidelines, 2015. Collection method: clinical testing. Allele origin: germline.